The following is an entry in ClinVar:

ClinVar aggregate classification (germline): Uncertain significance (0 of 4 stars; one submission).

Conditions:
THBS1-related disorder. Also called: THBS1-related condition.

Submission:

PreventionGenetics, part of Exact Sciences
Classification: Uncertain significance for THBS1-related condition. Last evaluated: 2024-03-05. Review status: no assertion criteria provided. Collection method: clinical testing. Allele origin: germline.
Comment: The THBS1 c.2945A>G variant is predicted to result in the amino acid substitution p.Gln982Arg. To our knowledge, this variant has not been reported in the literature or in a large population database, indicating this variant is rare. At this time, the clinical significance of this variant is uncertain due to the absence of conclusive functional and genetic evidence.

NM_003246.4(THBS1):c.2945A>G (p.Gln982Arg)

Gene: THBS1 (thrombospondin 1; plus strand). Cytogenetic location: 15q14.
Variant type: single nucleotide variant.
Coding change: c.2945A>G on transcript NM_003246.4 (MANE Select); coding-DNA position 2945, A replaced by G.
Protein change: p.Gln982Arg; replaces glutamine 982 with arginine.
Molecular consequence: missense variant.
Genome position (GRCh38, 1-based): chr15:39,593,177, A>G. VCF-style: chr15-39593177-A-G. GRCh37 (hg19) VCF-style: chr15-39885378-A-G.
Other names: short protein forms Q982R.
Identifiers: ClinVar variation 3029093 (VCV003029093.2), dbSNP rs2504329156, ClinGen allele CA391672444.
Genomic context (GRCh38, chr15:39,593,177, plus strand): 5'-TGATTCCTCTGGACCCCAAAGGGACATCCCAAAATGACCCTAACTGGGTTGTACGCCATC[A>G]GGGTAAAGAACTCGTCCAGACTGTCAACTGTGATCCTGGACTCGCTGTAGGTGAGTAGCG-3'
Protein context (NP_003237.2, residues 972-992): QNDPNWVVRH[Gln982Arg]GKELVQTVNC